The following is an entry in ClinVar:

NM_012082.4(ZFPM2):c.2096A>C (p.His699Pro)

Genes: ZFPM2 (zinc finger protein, FOG family member 2; plus strand), ZFPM2-AS1 (ZFPM2 antisense RNA 1; minus strand). Cytogenetic location: 8q23.1.
Variant type: single nucleotide variant.
Coding change: c.2096A>C on transcript NM_012082.4 (MANE Select); coding-DNA position 2096, A replaced by C.
Protein change: p.His699Pro; replaces histidine 699 with proline.
Molecular consequence: missense variant.
Genome position (GRCh38, 1-based): chr8:105,802,178, A>C. VCF-style: chr8-105802178-A-C. GRCh37 (hg19) VCF-style: chr8-106814406-A-C.
Other names: c.1937A>C, p.His646Pro (NM_001362836.2); c.1700A>C, p.His567Pro (NM_001362837.2); short protein forms H699P, H646P, H567P.
Identifiers: ClinVar variation 240842 (VCV000240842.10), dbSNP rs368486644, ClinGen allele CA4839861.

ClinVar aggregate classification (germline): Uncertain significance. Review status: criteria provided, multiple submitters, no conflicts (2 of 4 stars). 2 submissions from 2 submitters: Uncertain significance (2). Last evaluated 2025-04-07.

Conditions:
46,XY sex reversal 9 (SRXY9). Also called: 46,XY SEX REVERSAL, ZFPM2-RELATED. Identifiers: Orphanet 251510, MedGen C4015129, MONDO:0014480, OMIM 616067.
Inborn genetic diseases. Identifiers: MedGen C0950123, MeSH D030342.

gnomAD v4.1: 13 of 1,613,960 alleles (0.00081%); highest among the groups gnomAD compares: Middle Eastern, 0.15%; no homozygotes.

Submissions (2):

Ambry Genetics
Classification: Uncertain significance for Inborn genetic diseases. Last evaluated: 2025-04-07. Review status: criteria provided, single submitter. Criteria: Ambry Variant Classification Scheme 2023. Collection method: clinical testing. Allele origin: germline.

Labcorp Genetics (formerly Invitae), Labcorp
Classification: Uncertain significance for 46,XY sex reversal 9. Last evaluated: 2022-01-07. Review status: criteria provided, single submitter. Criteria: Invitae Variant Classification Sherloc (09022015). Collection method: clinical testing. Allele origin: germline.
Comment: This sequence change replaces histidine, which is basic and polar, with proline, which is neutral and non-polar, at codon 699 of the ZFPM2 protein (p.His699Pro). This variant is present in population databases (rs368486644, gnomAD 0.01%). This variant has not been reported in the literature in individuals affected with ZFPM2-related conditions. ClinVar contains an entry for this variant (Variation ID: 240842). Algorithms developed to predict the effect of missense changes on protein structure and function are either unavailable or do not agree on the potential impact of this missense change (SIFT: "Deleterious"; PolyPhen-2: "Probably Damaging"; Align-GVGD: "Class C0"). In summary, the available evidence is currently insufficient to determine the role of this variant in disease. Therefore, it has been classified as a Variant of Uncertain Significance.